The following is an entry in ClinVar:

NM_004526.4(MCM2):c.2134G>A (p.Val712Met)

Gene: MCM2 (minichromosome maintenance complex component 2; plus strand). Cytogenetic location: 3q21.3.
Variant type: single nucleotide variant.
Coding change: c.2134G>A on transcript NM_004526.4 (MANE Select); coding-DNA position 2134, G replaced by A.
Protein change: p.Val712Met; replaces valine 712 with methionine.
Molecular consequence: missense variant. On other transcripts: non-coding transcript variant (1).
Genome position (GRCh38, 1-based): chr3:127,619,147, G>A. VCF-style: chr3-127619147-G-A. GRCh37 (hg19) VCF-style: chr3-127337990-G-A.
Other names: short protein forms V712M.
Identifiers: ClinVar variation 2982615 (VCV002982615.3), dbSNP rs142890769, ClinGen allele CA2596127.

ClinVar aggregate classification (germline): Uncertain significance (1 of 4 stars; one submission).

Allele frequency attached by ClinVar (database versions not stated): ExAC 0.00002; gnomAD exomes 0.00002; gnomAD 0.00003; TOPMed 0.00003; ESP Exome Variant Server 0.00008; 1000 Genomes Project 30x 0.00016; 1000 Genomes Project 0.00020.
gnomAD v4.1: 44 of 1,614,156 alleles (0.0027%); highest among the groups gnomAD compares: East Asian, 0.0045%; no homozygotes.

Submission:

Labcorp Genetics (formerly Invitae), Labcorp
Classification: Uncertain significance. Last evaluated: 2023-11-02. Review status: criteria provided, single submitter. Criteria: Invitae Variant Classification Sherloc (09022015). Collection method: clinical testing. Allele origin: germline.
Comment: This sequence change replaces valine, which is neutral and non-polar, with methionine, which is neutral and non-polar, at codon 712 of the MCM2 protein (p.Val712Met). This variant is present in population databases (rs142890769, gnomAD 0.007%). This variant has not been reported in the literature in individuals affected with MCM2-related conditions. Advanced modeling of protein sequence and biophysical properties (such as structural, functional, and spatial information, amino acid conservation, physicochemical variation, residue mobility, and thermodynamic stability) performed at Invitae indicates that this missense variant is not expected to disrupt MCM2 protein function with a negative predictive value of 80%. In summary, the available evidence is currently insufficient to determine the role of this variant in disease. Therefore, it has been classified as a Variant of Uncertain Significance.